The following is an entry in ClinVar:

NM_203447.4(DOCK8):c.3531-3C>T

Gene: DOCK8 (dedicator of cytokinesis 8; plus strand). Cytogenetic location: 9p24.3.
Variant type: single nucleotide variant.
Coding change: c.3531-3C>T on transcript NM_203447.4 (MANE Select); 3 bases into the intron before coding-DNA position 3531, C replaced by T.
Molecular consequence: intron variant.
Genome position (GRCh38, 1-based): chr9:414,779, C>T. VCF-style: chr9-414779-C-T. GRCh37 (hg19) VCF-style: chr9-414779-C-T.
Other names: c.3327-3C>T (NM_001193536.2); c.3231-3C>T (NM_001190458.2).
Identifiers: ClinVar variation 3901963 (VCV003901963.1).

ClinVar aggregate classification (germline): Uncertain significance (1 of 4 stars; one submission).

Conditions:
Combined immunodeficiency due to DOCK8 deficiency (HIES2). Also called: HYPER-IgE RECURRENT INFECTION SYNDROME 2, AUTOSOMAL RECESSIVE; HIES autosomal recessive; DOCK8 Deficiency; HYPER-IgE SYNDROME 2, AUTOSOMAL RECESSIVE, WITH RECURRENT INFECTIONS; Hyper-IgE recurrent infection syndrome, autosomal recessive. Identifiers: Orphanet 217390, MedGen C4722305, MONDO:0009478, OMIM 243700.

gnomAD v4.1: 1 of 1,614,170 alleles (0.000062%); highest among the groups gnomAD compares: Admixed American, 0.0017%; no homozygotes.

Submission:

Laboratorio de Genetica e Diagnostico Molecular, Hospital Israelita Albert Einstein
Classification: Uncertain significance for Combined immunodeficiency due to DOCK8 deficiency. Last evaluated: 2023-06-16. Review status: criteria provided, single submitter. Criteria: ACMG Guidelines, 2015. Collection method: clinical testing. Allele origin: germline. Affected: yes.
Comment: ACMG classification criteria: PM2 moderate